The following is an entry in ClinVar:

NM_002839.4(PTPRD):c.2914A>G (p.Ile972Val)

Genes: PTPRD (protein tyrosine phosphatase receptor type D; minus strand), LOC126860578 (MED14-independent group 3 enhancer GRCh37_chr9:8485393-8486592; plus strand). Cytogenetic location: 9p24.1.
Variant type: single nucleotide variant.
Coding change: c.2914A>G on transcript NM_002839.4 (MANE Select); coding-DNA position 2914, A replaced by G.
Protein change: p.Ile972Val; replaces isoleucine 972 with valine.
Molecular consequence: missense variant. On other transcripts: intron variant (7).
Genome position (GRCh38, 1-based): chr9:8,485,903, T>C on the plus strand (A>G on the coding strand, the complement: PTPRD is on the minus strand). VCF-style: chr9-8485903-T-C. GRCh37 (hg19) VCF-style: chr9-8485903-T-C.
Other names: c.2914A>G, p.Ile972Val (NM_001377958.1, NM_001378058.1); c.1793-579A>G (NM_001171025.2); c.1805-579A>G (NM_001377946.1); c.1814-576A>G (NM_001377947.1); c.1823-579A>G (NM_130391.4, NM_130392.3); c.1814-579A>G (NM_001040712.2); c.1805-576A>G (NM_130393.3); short protein forms I972V.
Identifiers: ClinVar variation 4872400 (VCV004872400.2).

ClinVar aggregate classification (germline): Likely benign (1 of 4 stars; one submission).

gnomAD v4.1: 544 of 1,614,034 alleles (0.034%); highest among the groups gnomAD compares: Non-Finnish European, 0.04%; 2 homozygotes.

Submission:

CeGaT Center for Human Genetics Tuebingen
Classification: Likely benign. Last evaluated: 2026-04-01. Review status: criteria provided, single submitter. Criteria: CeGaT Center For Human Genetics Tuebingen Variant Classification Criteria Version 2. Collection method: clinical testing. Allele origin: germline. Affected: yes. Observed: 1 variant allele.
Comment: PTPRD: BP4